The following is an entry in ClinVar:

NM_001029896.2(WDR45):c.-17-19T>G

Genes: WDR45 (WD repeat domain 45; minus strand), LOC126863256 (BRD4-independent group 4 enhancer GRCh37_chrX:48934848-48936047; plus strand). Cytogenetic location: Xp11.23.
Variant type: single nucleotide variant.
Coding change: c.-17-19T>G on transcript NM_001029896.2 (MANE Select); 19 bases into the intron before 17 bases upstream of the start codon, T replaced by G.
Molecular consequence: intron variant.
Genome position (GRCh38, 1-based): chrX:49,078,131, A>C on the plus strand (T>G on the coding strand, the complement: WDR45 is on the minus strand). VCF-style: chrX-49078131-A-C. GRCh37 (hg19) VCF-style: chrX-48935790-A-C.
Other names: NC_000023.10:g.48935790A>C; c.-17-19T>G (NM_007075.4).
Identifiers: ClinVar variation 508209 (VCV000508209.2), dbSNP rs371546812, ClinGen allele CA10408652.
Genomic context (GRCh38, chrX:49,078,131, plus strand): 5'-CTCCTCGAAGTGGCTGTTGAGTCATGGTGCAGGATTGTTCCTCTGCATACAAATGGGATA[A>C]AGATGAGAAGAGTCCTGGAATCTCCCCTCCAAGTTCTGCCTCACCTGATTTCCTCCTCCT-3'

ClinVar aggregate classification (germline): Likely benign (1 of 4 stars; one submission).

Allele frequency attached by ClinVar (database versions not stated): gnomAD exomes 0.00007 and 0.00023; gnomAD 0.00088 and 0.00082; ExAC 0.00032; ESP Exome Variant Server 0.00133; TOPMed 0.00093.
gnomAD v4.1: 174 of 1,186,292 alleles (0.015%); highest among the groups gnomAD compares: African/African-American, 0.26%; no homozygotes.

Submissions (2):

GeneDx
Classification: Likely benign. Last evaluated: 2017-04-06. Review status: criteria provided, single submitter. Criteria: GeneDx Variant Classification (06012015). Collection method: clinical testing. Allele origin: germline. Affected: yes.
Comment: This variant is considered likely benign or benign based on one or more of the following criteria: it is a conservative change, it occurs at a poorly conserved position in the protein, it is predicted to be benign by multiple in silico algorithms, and/or has population frequency not consistent with disease.

Dr. Peter K. Rogan Lab, Western University
No classification provided (evidence only). Condition: Sarcoma. Review status: no classification provided. Collection method: in vitro. Allele origin: not applicable. Functional consequence: retained intron. Not counted in ClinVar's aggregate classification.